The following is an entry in ClinVar:

NM_001367624.2(ZNF469):c.6809C>A (p.Ser2270Tyr)

Gene: ZNF469 (zinc finger protein 469; plus strand). Cytogenetic location: 16q24.2.
Variant type: single nucleotide variant.
Coding change: c.6809C>A on transcript NM_001367624.2 (MANE Select); coding-DNA position 6809, C replaced by A.
Protein change: p.Ser2270Tyr; replaces serine 2270 with tyrosine.
Molecular consequence: missense variant.
Genome position (GRCh38, 1-based): chr16:88,434,279, C>A. VCF-style: chr16-88434279-C-A. GRCh37 (hg19) VCF-style: chr16-88500687-C-A.
Other names: NM_001127464.1:c.6725C>A; p.Ser2270Tyr; NM_001127464.2:c.6725C>A; short protein forms S2270Y.
Identifiers: ClinVar variation 126929 (VCV000126929.14), dbSNP rs273585624, ClinGen allele CA151297.

ClinVar aggregate classification (germline): Uncertain significance. Review status: criteria provided, multiple submitters, no conflicts (2 of 4 stars). 6 submissions from 6 submitters: Uncertain significance (5). 1 of the submissions does not count toward it. Last evaluated 2026-05-29.

Conditions:
ZNF469-related disorder. Also called: ZNF469-related condition.
Cardiovascular phenotype. Identifiers: MedGen CN230736.
Keratoconus 1 (KTCN1). Identifiers: MedGen C1835677, MONDO:0007851, OMIM 148300.

Allele frequency attached by ClinVar (database versions not stated): gnomAD exomes 0.00005 and 0.00013; ExAC 0.00006; TOPMed 0.00008; gnomAD 0.00009 and 0.00010.
gnomAD v4.1: 185 of 1,550,258 alleles (0.012%); highest among the groups gnomAD compares: Non-Finnish European, 0.016%; no homozygotes.

Submissions (6):

PreventionGenetics, part of Exact Sciences
Classification: Uncertain significance for ZNF469-related condition. Last evaluated: 2026-05-29. Review status: criteria provided, single submitter. Criteria: ACMG Guidelines, 2015. Collection method: clinical testing. Allele origin: germline.
Comment: The ZNF469 c.6725C>A variant is predicted to result in the amino acid substitution p.Ser2242Tyr. This variant was observed in heterozygous state in an individual with keratoconus and assessed as a variant of uncertain significance (Table 2, Lechner et al. 2014. PubMed ID: 24895405). This variant is reported in 0.013% of alleles in individuals of European (Non-Finnish) descent in gnomAD. Although we suspect that this variant may be pathogenic, at this time, the clinical significance of this variant is uncertain due to the absence of conclusive functional and genetic evidence.

Women's Health and Genetics/Laboratory Corporation of America, LabCorp
Classification: Uncertain significance. Last evaluated: 2025-08-25. Review status: criteria provided, single submitter. Criteria: LabCorp Variant Classification Summary - May 2015. Collection method: clinical testing. Allele origin: germline.
Comment: Variant summary: ZNF469 c.6809C>A (p.Ser2270Tyr) results in a non-conservative amino acid change in the encoded protein sequence. Algorithms developed to predict the effect of missense changes on protein structure and function are either unavailable or do not agree on the potential impact of this missense change. The variant allele was found at a frequency of 5.2e-05 in 152738 control chromosomes. The available data on variant occurrences in the general population are insufficient to allow any conclusion about variant significance. c.6809C>A has been reported in the literature as a VUS with a non-informative genotype in individuals affected with Keratoconus (example, Lechner_2014). These report(s) do not provide unequivocal conclusions about association of the variant with Brittle cornea syndrome 1. To our knowledge, no experimental evidence demonstrating an impact on protein function has been reported. The following publication has been ascertained in the context of this evaluation (PMID: 24895405). ClinVar contains an entry for this variant (Variation ID: 126929). Based on the evidence outlined above, the variant was classified as uncertain significance.

Ambry Genetics
Classification: Uncertain significance for Cardiovascular phenotype. Last evaluated: 2025-04-30. Review status: criteria provided, single submitter. Criteria: Ambry Variant Classification Scheme 2023. Collection method: clinical testing. Allele origin: germline.
Comment: The p.S2242Y variant (also known as c.6725C>A), located in coding exon 2 of the ZNF469 gene, results from a C to A substitution at nucleotide position 6725. The serine at codon 2242 is replaced by tyrosine, an amino acid with dissimilar properties. This variant has been reported in a keratoconus cohort (Lechner J et al. Hum Mol Genet, 2014 Oct;23:5527-35). This amino acid position is poorly conserved in available vertebrate species. In addition, this alteration is predicted to be tolerated by in silico analysis. Since supporting evidence is limited at this time, the clinical significance of this alteration remains unclear.

Labcorp Genetics (formerly Invitae), Labcorp
Classification: Uncertain significance. Last evaluated: 2024-11-04. Review status: criteria provided, single submitter. Criteria: Invitae Variant Classification Sherloc (09022015). Collection method: clinical testing. Allele origin: germline.
Comment: This sequence change replaces serine, which is neutral and polar, with tyrosine, which is neutral and polar, at codon 2242 of the ZNF469 protein (p.Ser2242Tyr). This variant is present in population databases (rs273585624, gnomAD 0.01%). This missense change has been observed in individual(s) with keratoconus (PMID: 24895405). ClinVar contains an entry for this variant (Variation ID: 126929). An algorithm developed to predict the effect of missense changes on protein structure and function (PolyPhen-2) suggests that this variant¬†is likely to be tolerated. In summary, the available evidence is currently insufficient to determine the role of this variant in disease. Therefore, it has been classified as a Variant of Uncertain Significance.

Mayo Clinic Laboratories, Mayo Clinic
Classification: Uncertain significance. Last evaluated: 2023-05-12. Review status: criteria provided, single submitter. Criteria: ACMG Guidelines, 2015. Collection method: clinical testing. Allele origin: germline. Observed: 1 variant allele.
Comment: BP4

Willoughby Group, Queen's University Belfast
Classification: Pathogenic for Keratoconus 1. Review status: no assertion criteria provided. Collection method: not provided. Allele origin: germline. Not counted in ClinVar's aggregate classification.
ClinVar note: Converted during submission from pathogenic to Pathogenic.

Literature cited by the submitters: PubMed 24895405 (cited by 4 submitters).